The following is an entry in ClinVar:

ClinVar aggregate classification (germline): Uncertain significance (1 of 4 stars; one submission).

Allele frequency attached by ClinVar (database versions not stated): gnomAD exomes below 0.00001.
gnomAD v4.1: 6 of 1,613,996 alleles (0.00037%); highest among the groups gnomAD compares: African/African-American, 0.0067%; no homozygotes.

Submission:

Labcorp Genetics (formerly Invitae), Labcorp
Classification: Uncertain significance. Last evaluated: 2024-02-24. Review status: criteria provided, single submitter. Criteria: Invitae Variant Classification Sherloc (09022015). Collection method: clinical testing. Allele origin: germline.
Comment: This sequence change replaces valine, which is neutral and non-polar, with glycine, which is neutral and non-polar, at codon 143 of the STAT4 protein (p.Val143Gly). This variant is not present in population databases (gnomAD no frequency). This variant has not been reported in the literature in individuals affected with STAT4-related conditions. ClinVar contains an entry for this variant (Variation ID: 1425805). Advanced modeling of protein sequence and biophysical properties (such as structural, functional, and spatial information, amino acid conservation, physicochemical variation, residue mobility, and thermodynamic stability) performed at Invitae indicates that this missense variant is expected to disrupt STAT4 protein function with a positive predictive value of 80%. In summary, the available evidence is currently insufficient to determine the role of this variant in disease. Therefore, it has been classified as a Variant of Uncertain Significance.

NM_003151.4(STAT4):c.428T>G (p.Val143Gly)

Gene: STAT4 (signal transducer and activator of transcription 4; minus strand). Cytogenetic location: 2q32.2.
Variant type: single nucleotide variant.
Coding change: c.428T>G on transcript NM_003151.4 (MANE Select); coding-DNA position 428, T replaced by G.
Protein change: p.Val143Gly; replaces valine 143 with glycine.
Molecular consequence: missense variant.
Genome position (GRCh38, 1-based): chr2:191,073,135, A>C on the plus strand (T>G on the coding strand, the complement: STAT4 is on the minus strand). VCF-style: chr2-191073135-A-C. GRCh37 (hg19) VCF-style: chr2-191937861-A-C.
Other names: c.428T>G, p.Val143Gly (NM_001243835.2); short protein forms V143G.
Identifiers: ClinVar variation 1425805 (VCV001425805.6), dbSNP rs866566754, ClinGen allele CA62697546.